The following is an entry in ClinVar:

ClinVar aggregate classification (germline): Pathogenic. Review status: criteria provided, multiple submitters, no conflicts (2 of 4 stars). 3 submissions from 3 submitters: Pathogenic (3). Last evaluated 2022-04-22.

Conditions:
CHM-related disorders.

Submissions (3):

Blueprint Genetics
Classification: Pathogenic for CHM-related disorders. Last evaluated: 2022-04-22. Review status: criteria provided, single submitter. Criteria: ACMG Guidelines, 2015. Collection method: clinical testing. Allele origin: germline. Affected: yes. Observed: 1 variant allele.

Labcorp Genetics (formerly Invitae), Labcorp
Classification: Pathogenic. Last evaluated: 2021-10-22. Review status: criteria provided, single submitter. Criteria: Invitae Variant Classification Sherloc (09022015). Collection method: clinical testing. Allele origin: germline.
Comment: For these reasons, this variant has been classified as Pathogenic. This variant is not present in population databases (ExAC no frequency). Disruption of this splice site has been observed in individuals with choroideremia (PMID: 12827496, 27247961, 27936069). ClinVar contains an entry for this variant (Variation ID: 837911). Studies have shown that disruption of this splice site results in a deletion of 8 basepairs and introduces a premature termination codon (PMID: 12827496). The resulting mRNA is expected to undergo nonsense-mediated decay. This sequence change affects an acceptor splice site in intron 3 of the CHM gene. RNA analysis indicates that disruption of this splice site induces altered splicing and may result in an absent or disrupted protein product.

GeneDx
Classification: Pathogenic. Last evaluated: 2020-01-16. Review status: criteria provided, single submitter. Criteria: GeneDx Variant Classification Process June 2021. Collection method: clinical testing. Allele origin: germline. Affected: yes.
Comment: Published RNA sequencing studies revealed the utilization of a cryptic splice site and the production of a premature termination codon (van den Hurk et al., 2003); Canonical splice site variant in a gene for which loss-of-function is a known mechanism of disease; Not observed in large population cohorts (Lek et al., 2016); This variant is associated with the following publications: (PMID: 12827496, 21268676, 25525159)

Literature cited by the submitters: PubMed 12827496 (cited by Labcorp Genetics (formerly Invitae), Labcorp); PubMed 27247961 (cited by Labcorp Genetics (formerly Invitae), Labcorp); PubMed 27936069 (cited by Labcorp Genetics (formerly Invitae), Labcorp).

NM_000390.4(CHM):c.190-2A>G

Gene: CHM (CHM Rab escort protein; minus strand). Cytogenetic location: Xq21.2.
Variant type: single nucleotide variant.
Coding change: c.190-2A>G on transcript NM_000390.4 (MANE Select); the canonical splice acceptor site of the intron before coding-DNA position 190, A replaced by G.
Molecular consequence: splice acceptor variant.
Genome position (GRCh38, 1-based): chrX:85,978,893, T>C on the plus strand (A>G on the coding strand, the complement: CHM is on the minus strand). VCF-style: chrX-85978893-T-C. GRCh37 (hg19) VCF-style: chrX-85233897-T-C.
Other names: c.-251-2A>G (NM_001362519.1, NM_001362518.2); c.-255-2A>G (NM_001362517.1, NM_001320959.1); c.190-2A>G (NM_001145414.4).
Identifiers: ClinVar variation 837911 (VCV000837911.11), dbSNP rs774941511, ClinGen allele CA413788219.
Genomic context (GRCh38, chrX:85,978,893, plus strand): 5'-TCATTTTCAAGGATCTGGTCTTGCCACACTGGACTGTCACTTACAATGTCACTGTTTTCC[T>C]AAACAAAACACAGATAAGAAGTTTTAATCAAAGTGGGCAGTGTGAAACATGCAATTTTCT-3'